The following continues an entry in ClinVar:

NM_007294.4(BRCA1):c.1953_1956del (p.Lys653fs)

Gene: BRCA1. ClinVar aggregate classification (germline): Pathogenic. Pathogenic (1).

Submissions 11 to 29 of 29:

Quest Diagnostics Nichols Institute San Juan Capistrano
Classification: Pathogenic. Last evaluated: 2022-11-04. Review status: criteria provided, single submitter. Criteria: Quest Diagnostics criteria. Collection method: clinical testing. Allele origin: unknown. Not counted in ClinVar's aggregate classification.
Comment: This frameshift variant alters the translational reading frame of the BRCA1 mRNA and causes the premature termination of BRCA1 protein synthesis. The frequency of this variant in the general population, 0.0000066 (1/152196 chromosomes), is consistent with pathogenicity. In the published literature, the variant has been reported in individuals with breast cancer (PMID: 28123851 (2017), 28194609 (2017), 30199306 (2018)), ovarian cancer (PMID: 28888541 (2017), 34657373 (2022), 34657373 (2022)), and unspecified hereditary breast and ovarian cancer (PMID: 21120943 (2011), 23479189 (2013), 33646313 (2021)). This variant has also been reported in an individual with prostate cancer (PMID: 34242281 (2021)). Based on the available information, this variant is classified as pathogenic.

National Health Laboratory Service, Universitas Academic Hospital and University of the Free State
Classification: Pathogenic for Hereditary breast ovarian cancer syndrome. Last evaluated: 2022-04-19. Review status: criteria provided, single submitter. Criteria: ACMG Guidelines, 2015. Collection method: clinical testing. Allele origin: germline. Affected: yes. Observed: 1 variant allele. Not counted in ClinVar's aggregate classification.

GeneDx
Classification: Pathogenic. Last evaluated: 2022-01-19. Review status: criteria provided, single submitter. Criteria: GeneDx Variant Classification Process June 2021. Collection method: clinical testing. Allele origin: germline. Affected: yes. Not counted in ClinVar's aggregate classification.
Comment: Frameshift variant predicted to result in protein truncation or nonsense mediated decay in a gene for which loss-of-function is a known mechanism of disease; Observed in multiple individuals with breast and/or ovarian cancer (van Orsouw 1999, Risch 2006, Lee 2008, Esteban Cardeosa 2010, Zhang 2011, de Juan Jimenez 2013, Konstantopoulou 2014, Nabholtz 2014, Lerner-Ellis 2017); Not observed at significant frequency in large population cohorts (gnomAD); Truncating variants in this gene are considered pathogenic by a well-established clinical consortium and/or database; Also known as 2072_2075delGAAA, 2072delGAAA, or 2072del4; This variant is associated with the following publications: (PMID: 20033483, 28127413, 10528853, 23479189, 24827135, 11748305, 22434525, 24010542, 23249957, 22762150, 21120943, 18284688, 19215791, 21203900, 21324516, 17148771, 28194609, 28123851, 28050010, 27656653, 28857155, 30078507, 30199306, 31447099, 34242281, 33646313)

CeGaT Center for Human Genetics Tuebingen
Classification: Pathogenic. Last evaluated: 2022-01-01. Review status: criteria provided, single submitter. Criteria: CeGaT Center For Human Genetics Tuebingen Variant Classification Criteria Version 2. Collection method: clinical testing. Allele origin: germline. Affected: yes. Observed: 1 variant allele. Not counted in ClinVar's aggregate classification.

Women's Health and Genetics/Laboratory Corporation of America, LabCorp
Classification: Pathogenic for Hereditary breast ovarian cancer syndrome. Last evaluated: 2021-01-30. Review status: criteria provided, single submitter. Criteria: LabCorp Variant Classification Summary - May 2015. Collection method: clinical testing. Allele origin: germline. Not counted in ClinVar's aggregate classification.
Comment: Variant summary: BRCA1 c.1953_1956delGAAA (p.Lys653SerfsX47) results in a premature termination codon, predicted to cause a truncation of the encoded protein or absence of the protein due to nonsense mediated decay, which are commonly known mechanisms for disease. Truncations downstream of this position have been classified as pathogenic by our laboratory. The variant was absent in 251122 control chromosomes. c.1953_1956delGAAA has been reported in the literature in multiple individuals affected with Hereditary Breast And Ovarian Cancer Syndrome (example, Rebbeck_2018). These data indicate that the variant is very likely to be associated with disease. Multiple clinical diagnostic laboratories and one expert panel (ENIGMA) have submitted clinical-significance assessments for this variant to ClinVar after 2014 without evidence for independent evaluation. All submitters classified the variant as pathogenic. Based on the evidence outlined above, the variant was classified as pathogenic.

GeneKor MSA
Classification: Pathogenic. Last evaluated: 2020-01-01. Review status: criteria provided, single submitter. Criteria: ACMG Guidelines, 2015. Collection method: clinical testing. Allele origin: germline. Not counted in ClinVar's aggregate classification.
Comment: This is a deletion of 4 base pairs from exon 10 of the BRCA1 mRNA (c.1953_1956delGAAA), causing a frameshift at codon 653. This deletion creates a premature translation stop signal 47 amino acid residues later and is expected to result in an absent or disrupted protein product. This variant is also known as 2072delGAAA and 2072del4 in the literature and has been reported in multiple individuals with breast and/or ovarian cancer (PMID: 23479189, 22434525). The mutation database ClinVar contains entries for this variant (Variation ID: 37435).

Mayo Clinic Laboratories, Mayo Clinic
Classification: Pathogenic. Last evaluated: 2019-09-26. Review status: criteria provided, single submitter. Criteria: ACMG Guidelines, 2015. Collection method: clinical testing. Allele origin: germline. Observed: 1 variant allele. Not counted in ClinVar's aggregate classification.
Comment: PVS1, PS4_Mod, PM2

Human Genome Sequencing Center Clinical Lab, Baylor College of Medicine
Classification: Pathogenic for Familial breast-ovarian cancer 1. Last evaluated: 2018-08-13. Review status: criteria provided, single submitter. Criteria: ACMG Guidelines, 2015. Collection method: clinical testing. Allele origin: germline. Not counted in ClinVar's aggregate classification.
Comment: The c.1953_1956delGAAA (p.Lys653Serfs*47) variant in the BRCA1 gene is predicted to introduce a premature translation termination codon. This variant has been reported in multiple patients with hereditary breast and ovarian cancer (PMID 10528853, 21324516, 22434525, 23479189). This variant is not observed in gnomAD.Therefore, the c.1953_1956delGAAA (p.Lys653Serfs*47) variant in the BRCA1 gene is classified as pathogenic.

Bioinformatics dept., Datar Cancer Genetics Limited, India
Classification: Pathogenic for Breast-ovarian cancer, familial, susceptibility to, 1. Last evaluated: 2017-07-12. Review status: criteria provided, single submitter. Criteria: ACMG Guidelines, 2015. Collection method: clinical testing. Allele origin: germline. Inheritance: Autosomal dominant inheritance with maternal imprinting. Affected: yes. Observed: 1 variant allele, 1 heterozygote. Not counted in ClinVar's aggregate classification.

Laboratory for Molecular Medicine, Mass General Brigham Personalized Medicine
Classification: Pathogenic for Hereditary breast ovarian cancer syndrome. Last evaluated: 2016-08-15. Review status: criteria provided, single submitter. Criteria: LMM Criteria. Collection method: clinical testing. Allele origin: germline. Inheritance: Autosomal dominant inheritance. Observed: 1 variant allele. Not counted in ClinVar's aggregate classification.
Comment: The p.Lys653fs variant in BRCA1 has been reported in >30 individuals with BRCA1- associated cancers (Caux-Montcoutier 2011, Fostira 2011, Juan Jimenez 2013, Kons tantopoulou 2014, Nabholtz 2014, van Oursouw 1999, Breast Cancer Information Cor e (BIC) database). This variant was also absent from large population studies, t hough the ability of these studies to accurately detect indels may be limited. T his variant is predicted to cause a frameshift, which alters the protein?s amino acid sequence beginning at position 653 and leads to a premature termination co don 47 amino acids downstream. This alteration is then predicted to lead to a tr uncated or absent protein. Heterozygous loss of function of the BRCA1 gene is an established disease mechanism in individuals with hereditary breast and ovarian cancer (HBOC). In addition, this variant was classified as Pathogenic on April 22, 2016 by the ClinGen-approved ENIGMA expert panel (ClinVar SCV000282268.1). I n summary, this variant meets criteria to be classified as pathogenic for HBOC i n an autosomal dominant manner based upon the predicted impact to the protein.

Genetic Services Laboratory, University of Chicago
Classification: Pathogenic for {Breast-ovarian cancer, familial, 1}. Last evaluated: 2016-02-29. Review status: criteria provided, single submitter. Criteria: ACMG Guidelines, 2015. Collection method: clinical testing. Allele origin: germline. Affected: yes. Not counted in ClinVar's aggregate classification.

Consortium of Investigators of Modifiers of BRCA1/2 (CIMBA), c/o University of Cambridge
Classification: Pathogenic for Breast-ovarian cancer, familial, susceptibility to, 1. Last evaluated: 2015-10-02. Review status: criteria provided, single submitter. Criteria: CIMBA Mutation Classification guidelines May 2016. Collection method: clinical testing. Allele origin: germline. Not counted in ClinVar's aggregate classification.

German Consortium for Hereditary Breast and Ovarian Cancer, University Hospital Cologne
Classification: Pathogenic for Ovarian neoplasm. Last evaluated: 2018-12-01. Review status: no assertion criteria provided. Collection method: research. Allele origin: germline. Affected: yes. Not counted in ClinVar's aggregate classification.

Counsyl
Classification: Pathogenic for Breast-ovarian cancer, familial, susceptibility to, 1. Last evaluated: 2016-11-28. Review status: no assertion criteria provided. Collection method: clinical testing. Allele origin: unknown. Not counted in ClinVar's aggregate classification.

Research Molecular Genetics Laboratory, Women's College Hospital, University of Toronto
Classification: Pathogenic for Hereditary breast ovarian cancer syndrome. Last evaluated: 2014-01-31. Review status: no assertion criteria provided. Collection method: research. Allele origin: germline. Affected: yes. Study: The Canadian Open Genetics Repository (COGR). Not counted in ClinVar's aggregate classification.

Sharing Clinical Reports Project (SCRP)
Classification: Pathogenic for Breast-ovarian cancer, familial 1. Last evaluated: 2012-08-20. Review status: no assertion criteria provided. Collection method: clinical testing. Allele origin: germline. Not counted in ClinVar's aggregate classification.

Foulkes Cancer Genetics LDI, Lady Davis Institute for Medical Research
Classification: Pathogenic for Breast and/or ovarian cancer. Last evaluated: 2009-03-23. Review status: no assertion criteria provided. Collection method: clinical testing. Allele origin: germline. Study: The Canadian Open Genetics Repository (COGR). Not counted in ClinVar's aggregate classification.

Breast Cancer Information Core (BIC) (BRCA1)
Classification: Pathogenic for Breast-ovarian cancer, familial 1. Last evaluated: 2002-05-29. Review status: no assertion criteria provided. Collection method: clinical testing. Allele origin: germline, unknown. Affected: yes. Observed: 30 variant alleles. Not counted in ClinVar's aggregate classification.

Department of Pathology and Laboratory Medicine, Sinai Health System
Classification: Pathogenic. Review status: no assertion criteria provided. Collection method: clinical testing. Allele origin: unknown. Affected: yes. Observed: 1 variant allele. Study: The Canadian Open Genetics Repository (COGR). Not counted in ClinVar's aggregate classification.

Literature cited by the submitters: PubMed 20104584 (cited by Labcorp Genetics (formerly Invitae), Labcorp); PubMed 10528853 (cited by 8 submitters); PubMed 22434525 (cited by 7 submitters); PubMed 23479189 (cited by 7 submitters); PubMed 24827135 (cited by 6 submitters); PubMed 9667259 (cited by 5 submitters); PubMed 11179017 (cited by 3 submitters); PubMed 17148771 (cited by 4 submitters); PubMed 17319787 (cited by Color Diagnostics, LLC DBA Color Health and All of Us Research Program, National Institutes of Health); PubMed 21120943 (cited by 5 submitters); PubMed 21324516 (cited by 6 submitters); PubMed 23249957 (cited by Color Diagnostics, LLC DBA Color Health and All of Us Research Program, National Institutes of Health); PubMed 24010542 (cited by 6 submitters); PubMed 28050010 (cited by 4 submitters); PubMed 28123851 (cited by 4 submitters); PubMed 28194609 (cited by 4 submitters); PubMed 28715532 (cited by Color Diagnostics, LLC DBA Color Health and All of Us Research Program, National Institutes of Health); PubMed 29168416 (cited by Color Diagnostics, LLC DBA Color Health and All of Us Research Program, National Institutes of Health); PubMed 30078507 (cited by 4 submitters); PubMed 30199306 (cited by Color Diagnostics, LLC DBA Color Health and Quest Diagnostics Nichols Institute San Juan Capistrano); PubMed 31853058 (cited by Color Diagnostics, LLC DBA Color Health); PubMed 34657373 (cited by Color Diagnostics, LLC DBA Color Health and Quest Diagnostics Nichols Institute San Juan Capistrano); PubMed 22430266 (cited by Quest Diagnostics Nichols Institute San Juan Capistrano and Women's Health and Genetics/Laboratory Corporation of America, LabCorp); PubMed 29446198 (cited by Quest Diagnostics Nichols Institute San Juan Capistrano and Women's Health and Genetics/Laboratory Corporation of America, LabCorp); PubMed 28888541 (cited by Quest Diagnostics Nichols Institute San Juan Capistrano); PubMed 31447099 (cited by Quest Diagnostics Nichols Institute San Juan Capistrano); PubMed 34242281 (cited by Quest Diagnostics Nichols Institute San Juan Capistrano); PubMed 33646313 (cited by Quest Diagnostics Nichols Institute San Juan Capistrano); PubMed 21356067 (cited by Bioinformatics dept., Datar Cancer Genetics Limited, India); PMC 4545329 (cited by Bioinformatics dept., Datar Cancer Genetics Limited, India); PubMed 15383404 (cited by Breast Cancer Information Core (BIC) (BRCA1)).